The following is an entry in ClinVar:

ClinVar aggregate classification (germline): Uncertain significance (1 of 4 stars; one submission).

Conditions:
Inborn genetic diseases. Identifiers: MedGen C0950123, MeSH D030342.

gnomAD v4.1: 3 of 1,613,996 alleles (0.00019%); highest among the groups gnomAD compares: Non-Finnish European, 0.00025%; no homozygotes.

Submission:

Ambry Genetics
Classification: Uncertain significance for Inborn genetic diseases. Last evaluated: 2025-05-31. Review status: criteria provided, single submitter. Criteria: Ambry Variant Classification Scheme 2023. Collection method: clinical testing. Allele origin: germline.
Comment: The p.E450Q variant (also known as c.1348G>C), located in coding exon 10 of the BUB1B gene, results from a G to C substitution at nucleotide position 1348. The glutamic acid at codon 450 is replaced by glutamine, an amino acid with highly similar properties. This amino acid position is conserved. In addition, this alteration is predicted to be tolerated by in silico analysis. Based on the available evidence, the clinical significance of this variant remains unclear.

NM_001211.6(BUB1B):c.1348G>C (p.Glu450Gln)

Gene: BUB1B (BUB1 mitotic checkpoint serine/threonine kinase B; plus strand). Cytogenetic location: 15q15.1.
Variant type: single nucleotide variant.
Coding change: c.1348G>C on transcript NM_001211.6 (MANE Select); coding-DNA position 1348, G replaced by C.
Protein change: p.Glu450Gln; replaces glutamic acid 450 with glutamine.
Molecular consequence: missense variant.
Genome position (GRCh38, 1-based): chr15:40,199,674, G>C. VCF-style: chr15-40199674-G-C. GRCh37 (hg19) VCF-style: chr15-40491875-G-C.
Other names: short protein forms E450Q.
Identifiers: ClinVar variation 3993741 (VCV003993741.1).